The following is an entry in ClinVar:

ClinVar aggregate classification (germline): Uncertain significance (1 of 4 stars; one submission).

Conditions:
Gamma-aminobutyric acid transaminase deficiency (GABATD). Also called: GABA transaminase deficiency; Gamma aminobutyrate transaminase deficiency; 4 alpha aminobutyrate transaminase deficiency; GABA aminotransaminase deficiency. Identifiers: Orphanet 2066, MedGen C0342708, MONDO:0013166, OMIM 613163.

Allele frequency attached by ClinVar (database versions not stated): gnomAD exomes below 0.00001.

Submission:

Labcorp Genetics (formerly Invitae), Labcorp
Classification: Uncertain significance for Gamma-aminobutyric acid transaminase deficiency. Last evaluated: 2025-04-30. Review status: criteria provided, single submitter. Criteria: Invitae Variant Classification Sherloc (09022015). Collection method: clinical testing. Allele origin: germline.
Comment: This sequence change replaces proline, which is neutral and non-polar, with serine, which is neutral and polar, at codon 110 of the ABAT protein (p.Pro110Ser). This variant is not present in population databases (gnomAD no frequency). This variant has not been reported in the literature in individuals affected with ABAT-related conditions. ClinVar contains an entry for this variant (Variation ID: 1345560). Invitae Evidence Modeling of protein sequence and biophysical properties (such as structural, functional, and spatial information, amino acid conservation, physicochemical variation, residue mobility, and thermodynamic stability) indicates that this missense variant is not expected to disrupt ABAT protein function with a negative predictive value of 80%. In summary, the available evidence is currently insufficient to determine the role of this variant in disease. Therefore, it has been classified as a Variant of Uncertain Significance.

NM_020686.6(ABAT):c.328C>T (p.Pro110Ser)

Gene: ABAT (4-aminobutyrate aminotransferase; plus strand). Cytogenetic location: 16p13.2.
Variant type: single nucleotide variant.
Coding change: c.328C>T on transcript NM_020686.6 (MANE Select); coding-DNA position 328, C replaced by T.
Protein change: p.Pro110Ser; replaces proline 110 with serine.
Molecular consequence: missense variant.
Genome position (GRCh38, 1-based): chr16:8,757,768, C>T. VCF-style: chr16-8757768-C-T. GRCh37 (hg19) VCF-style: chr16-8851625-C-T.
Other names: c.328C>T, p.Pro110Ser (NM_000663.5, NM_001127448.2, NM_001386600.1 and 10 more transcripts); c.193C>T, p.Pro65Ser (NM_001386610.1, NM_001386611.1, NM_001386612.1 and 1 more transcripts); c.82C>T, p.Pro28Ser (NM_001386614.1); c.424C>T, p.Pro142Ser (NM_001386615.1); short protein forms P142S, P110S, P28S, P65S.
Identifiers: ClinVar variation 1345560 (VCV001345560.6), dbSNP rs2142848668, ClinGen allele CA394688038.